The following is an entry in ClinVar:

NM_030665.4(RAI1):c.3767G>A (p.Gly1256Glu)

Gene: RAI1 (retinoic acid induced 1; plus strand). Cytogenetic location: 17p11.2.
Variant type: single nucleotide variant.
Coding change: c.3767G>A on transcript NM_030665.4 (MANE Select); coding-DNA position 3767, G replaced by A.
Protein change: p.Gly1256Glu; replaces glycine 1256 with glutamic acid.
Molecular consequence: missense variant.
Genome position (GRCh38, 1-based): chr17:17,796,715, G>A. VCF-style: chr17-17796715-G-A. GRCh37 (hg19) VCF-style: chr17-17700029-G-A.
Other names: short protein forms G1256E.
Identifiers: ClinVar variation 3654426 (VCV003654426.2).

ClinVar aggregate classification (germline): Uncertain significance (1 of 4 stars; one submission).

gnomAD v4.1: 3 of 1,613,586 alleles (0.00019%); highest among the groups gnomAD compares: South Asian, 0.0022%; no homozygotes.

Submission:

Labcorp Genetics (formerly Invitae), Labcorp
Classification: Uncertain significance. Last evaluated: 2025-01-18. Review status: criteria provided, single submitter. Criteria: Invitae Variant Classification Sherloc (09022015). Collection method: clinical testing. Allele origin: germline.
Comment: This sequence change replaces glycine, which is neutral and non-polar, with glutamic acid, which is acidic and polar, at codon 1256 of the RAI1 protein (p.Gly1256Glu). This variant is not present in population databases (gnomAD no frequency). This variant has not been reported in the literature in individuals affected with RAI1-related conditions. An algorithm developed to predict the effect of missense changes on protein structure and function outputs the following: PolyPhen-2: "Benign". The glutamic acid amino acid residue is found in multiple mammalian species, which suggests that this missense change does not adversely affect protein function. In summary, the available evidence is currently insufficient to determine the role of this variant in disease. Therefore, it has been classified as a Variant of Uncertain Significance.